The following is an entry in ClinVar:

NM_001079843.3(CASZ1):c.131T>C (p.Val44Ala)

Gene: CASZ1 (castor zinc finger 1; minus strand). Cytogenetic location: 1p36.22.
Variant type: single nucleotide variant.
Coding change: c.131T>C on transcript NM_001079843.3 (MANE Select); coding-DNA position 131, T replaced by C.
Protein change: p.Val44Ala; replaces valine 44 with alanine.
Molecular consequence: missense variant.
Genome position (GRCh38, 1-based): chr1:10,665,457, A>G on the plus strand (T>C on the coding strand, the complement: CASZ1 is on the minus strand). VCF-style: chr1-10665457-A-G. GRCh37 (hg19) VCF-style: chr1-10725514-A-G.
Other names: c.131T>C, p.Val44Ala (NM_017766.5); short protein forms V44A.
Identifiers: ClinVar variation 2780700 (VCV002780700.3), dbSNP rs1418637403, ClinGen allele CA338383956.

ClinVar aggregate classification (germline): Uncertain significance (1 of 4 stars; one submission).

Allele frequency attached by ClinVar (database versions not stated): gnomAD exomes below 0.00001; TOPMed 0.00001.
gnomAD v4.1: 1 of 1,609,828 alleles (0.000062%); highest among the groups gnomAD compares: Admixed American, 0.0017%; no homozygotes.

Submission:

Labcorp Genetics (formerly Invitae), Labcorp
Classification: Uncertain significance. Last evaluated: 2023-06-17. Review status: criteria provided, single submitter. Criteria: Invitae Variant Classification Sherloc (09022015). Collection method: clinical testing. Allele origin: germline.
Comment: This sequence change replaces valine, which is neutral and non-polar, with alanine, which is neutral and non-polar, at codon 44 of the CASZ1 protein (p.Val44Ala). This variant is present in population databases (no rsID available, gnomAD 0.003%). This variant has not been reported in the literature in individuals affected with CASZ1-related conditions. An algorithm developed to predict the effect of missense changes on protein structure and function (PolyPhen-2) suggests that this variant is likely to be tolerated. In summary, the available evidence is currently insufficient to determine the role of this variant in disease. Therefore, it has been classified as a Variant of Uncertain Significance.